The following is an entry in ClinVar:

NM_006420.3(ARFGEF2):c.172C>T (p.Pro58Ser)

Gene: ARFGEF2 (ARF guanine nucleotide exchange factor 2; plus strand). Cytogenetic location: 20q13.13.
Variant type: single nucleotide variant.
Coding change: c.172C>T on transcript NM_006420.3 (MANE Select); coding-DNA position 172, C replaced by T.
Protein change: p.Pro58Ser; replaces proline 58 with serine.
Molecular consequence: missense variant.
Genome position (GRCh38, 1-based): chr20:48,941,883, C>T. VCF-style: chr20-48941883-C-T. GRCh37 (hg19) VCF-style: chr20-47558420-C-T.
Other names: p.Pro58Ser; short protein forms P58S.
Identifiers: ClinVar variation 210226 (VCV000210226.16), dbSNP rs149471454, ClinGen allele CA209128.
Genomic context (GRCh38, chr20:48,941,883, plus strand): 5'-AATTCATTTCTTCTCCCGACCCTCTCTTGCTTTTCTCCTAGGCTTGGCACTGCTGCACCA[C>T]CAAAGGCAAACTTCATTGAAGCTGACAAGTATTTTCTTCCATTCGAGCTAGCTTGCCAGT-3'
Protein context (NP_006411.2, residues 48-68): EKQRLGTAAP[Pro58Ser]KANFIEADKY

ClinVar aggregate classification (germline): Uncertain significance. Review status: criteria provided, multiple submitters, no conflicts (2 of 4 stars). 7 submissions from 7 submitters: Uncertain significance (7). Last evaluated 2023-10-24.

Allele frequency attached by ClinVar (database versions not stated): gnomAD exomes 0.00034 and 0.00055; ExAC 0.00036; gnomAD 0.00042 and 0.00045; TOPMed 0.00044; ESP Exome Variant Server 0.00054; 1000 Genomes Project 0.00060; 1000 Genomes Project 30x 0.00062.
gnomAD v4.1: 866 of 1,614,244 alleles (0.054%); highest among the groups gnomAD compares: Middle Eastern, 0.082%; no homozygotes.

Submissions (7):

Mayo Clinic Laboratories, Mayo Clinic
Classification: Uncertain significance. Last evaluated: 2023-10-24. Review status: criteria provided, single submitter. Criteria: ACMG Guidelines, 2015. Collection method: clinical testing. Allele origin: germline. Observed: 1 variant allele.
Comment: BP4

Labcorp Genetics (formerly Invitae), Labcorp
Classification: Uncertain significance. Last evaluated: 2022-09-27. Review status: criteria provided, single submitter. Criteria: Invitae Variant Classification Sherloc (09022015). Collection method: clinical testing. Allele origin: germline.
Comment: This sequence change replaces proline, which is neutral and non-polar, with serine, which is neutral and polar, at codon 58 of the ARFGEF2 protein (p.Pro58Ser). This variant is present in population databases (rs149471454, gnomAD 0.06%). This variant has not been reported in the literature in individuals affected with ARFGEF2-related conditions. ClinVar contains an entry for this variant (Variation ID: 210226). Algorithms developed to predict the effect of missense changes on protein structure and function (SIFT, PolyPhen-2, Align-GVGD) all suggest that this variant is likely to be tolerated. In summary, the available evidence is currently insufficient to determine the role of this variant in disease. Therefore, it has been classified as a Variant of Uncertain Significance.

GeneDx
Classification: Uncertain significance. Last evaluated: 2020-02-27. Review status: criteria provided, single submitter. Criteria: GeneDx Variant Classification Process June 2021. Collection method: clinical testing. Allele origin: germline. Affected: yes.
Comment: In silico analysis supports that this missense variant has a deleterious effect on protein structure/function; Has not been previously published as pathogenic or benign to our knowledge

Laboratorio de Genetica e Diagnostico Molecular, Hospital Israelita Albert Einstein
Classification: Uncertain significance. Last evaluated: 2020-01-16. Review status: criteria provided, single submitter. Criteria: ACMG Guidelines, 2015. Collection method: clinical testing. Allele origin: germline. Affected: yes.
Comment: ACMG classification criteria: PM2, BP4

Athena Diagnostics
Classification: Uncertain significance. Last evaluated: 2018-01-24. Review status: criteria provided, single submitter. Criteria: Athena Diagnostics Criteria. Collection method: clinical testing. Allele origin: germline.

Eurofins Ntd Llc (ga)
Classification: Uncertain significance. Last evaluated: 2016-05-17. Review status: criteria provided, single submitter. Criteria: EGL Classification Definitions 2015. Collection method: clinical testing. Allele origin: germline. Observed: 1 variant allele, 1 heterozygote.

Genetic Services Laboratory, University of Chicago
Classification: Uncertain significance. Last evaluated: 2015-06-23. Review status: criteria provided, single submitter. Criteria: ACMG Guidelines, 2015. Collection method: clinical testing. Allele origin: germline.